The following is an entry in ClinVar:

NM_001844.5(COL2A1):c.86-8T>A

Gene: COL2A1 (collagen type II alpha 1 chain; minus strand). Cytogenetic location: 12q13.11.
Variant type: single nucleotide variant.
Coding change: c.86-8T>A on transcript NM_001844.5 (MANE Select); 8 bases into the intron before coding-DNA position 86, T replaced by A.
Molecular consequence: intron variant.
Genome position (GRCh38, 1-based): chr12:48,000,133, A>T on the plus strand (T>A on the coding strand, the complement: COL2A1 is on the minus strand). VCF-style: chr12-48000133-A-T. GRCh37 (hg19) VCF-style: chr12-48393916-A-T.
Other names: c.86-8T>A (NM_001844.4); c.86-1702T>A (NM_033150.3).
Identifiers: ClinVar variation 2791277 (VCV002791277.6), dbSNP rs1168355361, ClinGen allele CA2618508624.

ClinVar aggregate classification (germline): Uncertain significance. Review status: criteria provided, multiple submitters, no conflicts (2 of 4 stars). 3 submissions from 3 submitters: Uncertain significance (2). 1 of the submissions does not count toward it. Last evaluated 2024-08-30.

Conditions:
COL2A1-related disorder. Also called: COL2A1-related condition; COL2A1-related disorders.

gnomAD v4.1: 1 of 1,602,230 alleles (0.000062%); highest among the groups gnomAD compares: Non-Finnish European, 0.000085%; no homozygotes.

Submissions (3):

GeneDx
Classification: Uncertain significance. Last evaluated: 2024-08-30. Review status: criteria provided, single submitter. Criteria: GeneDx Variant Classification Process June 2021. Collection method: clinical testing. Allele origin: germline. Affected: yes.
Comment: Not observed at significant frequency in large population cohorts (gnomAD); In silico analysis supports a deleterious effect on splicing; Has not been previously published as pathogenic or benign to our knowledge

Labcorp Genetics (formerly Invitae), Labcorp
Classification: Uncertain significance. Last evaluated: 2024-04-03. Review status: criteria provided, single submitter. Criteria: Invitae Variant Classification Sherloc (09022015). Collection method: clinical testing. Allele origin: germline.
Comment: This sequence change falls in intron 1 of the COL2A1 gene. It does not directly change the encoded amino acid sequence of the COL2A1 protein. This variant is not present in population databases (gnomAD no frequency). This variant has not been reported in the literature in individuals affected with COL2A1-related conditions. Algorithms developed to predict the effect of sequence changes on RNA splicing suggest that this variant may disrupt the consensus splice site. In summary, the available evidence is currently insufficient to determine the role of this variant in disease. Therefore, it has been classified as a Variant of Uncertain Significance.

PreventionGenetics, part of Exact Sciences
Classification: Uncertain significance for COL2A1-related condition. Last evaluated: 2023-12-15. Review status: no assertion criteria provided. Collection method: clinical testing. Allele origin: germline. Not counted in ClinVar's aggregate classification.
Comment: The COL2A1 c.86-8T>A variant is predicted to interfere with splicing. To our knowledge, this variant has not been reported in the literature or in a large population database, indicating this variant is rare. At this time, the clinical significance of this variant is uncertain due to the absence of conclusive functional and genetic evidence.